The following is an entry in ClinVar:

NM_052947.4(ALPK2):c.5501+4C>T

Gene: ALPK2 (alpha kinase 2; minus strand). Cytogenetic location: 18q21.31.
Variant type: single nucleotide variant.
Coding change: c.5501+4C>T on transcript NM_052947.4 (MANE Select); 4 bases into the intron after coding-DNA position 5501, C replaced by T.
Molecular consequence: intron variant.
Genome position (GRCh38, 1-based): chr18:58,529,087, G>A on the plus strand (C>T on the coding strand, the complement: ALPK2 is on the minus strand). VCF-style: chr18-58529087-G-A. GRCh37 (hg19) VCF-style: chr18-56196319-G-A.
Identifiers: ClinVar variation 3056248 (VCV003056248.2), dbSNP rs56215500, ClinGen allele CA8976496.

ClinVar aggregate classification (germline): Benign (0 of 4 stars; one submission).

Conditions:
ALPK2-related disorder. Also called: ALPK2-related condition.

Allele frequency attached by ClinVar (database versions not stated): gnomAD exomes 0.00225; ExAC 0.00756; gnomAD 0.02366; 1000 Genomes Project 0.02636; TOPMed 0.02650; ESP Exome Variant Server 0.02691; 1000 Genomes Project 30x 0.02842.
gnomAD v4.1: 7,006 of 1,613,868 alleles (0.43%); highest among the groups gnomAD compares: African/African-American, 8.1%; 265 homozygotes.

Submission:

PreventionGenetics, part of Exact Sciences
Classification: Benign for ALPK2-related condition. Last evaluated: 2020-01-24. Review status: no assertion criteria provided. Collection method: clinical testing. Allele origin: germline.
Comment: This variant is classified as benign based on ACMG/AMP sequence variant interpretation guidelines (Richards et al. 2015 PMID: 25741868, with internal and published modifications).